The following is an entry in ClinVar:

NM_004517.4(ILK):c.29dup (p.Asn12fs)

Genes: ILK (integrin linked kinase; plus strand), LOC130005201 (ATAC-STARR-seq lymphoblastoid active region 4345; plus strand). Cytogenetic location: 11p15.4.
Variant type: Duplication.
Coding change: c.29dup on transcript NM_004517.4 (MANE Select); coding-DNA position 29, one base duplicated (A; older notation c.29dupA).
Protein change: p.Asn12fs; shifts the reading frame from asparagine 12.
Molecular consequence: frameshift variant. On other transcripts: 5 prime UTR variant (1).
Genome position (GRCh38, 1-based): chr11:6,604,300, A duplicated. VCF-style (leftmost placement, unchanged base first): chr11-6604299-G-GA. GRCh37 (hg19) VCF-style: chr11-6625529-G-GA.
Other names: c.29dup, p.Asn12fs (NM_001014794.3, NM_001014795.3, NM_001278441.2); c.-208dup (NM_001278442.2); short protein forms N12fs.
Identifiers: ClinVar variation 3653214 (VCV003653214.2).

ClinVar aggregate classification (germline): Uncertain significance (1 of 4 stars; one submission).

Conditions:
Primary familial hypertrophic cardiomyopathy (HCM). Identifiers: Orphanet 99739, MedGen C0949658, MeSH D024741, MONDO:0024573. Inheritance: Various modes of inheritance.

Submission:

Labcorp Genetics (formerly Invitae), Labcorp
Classification: Uncertain significance for Primary familial hypertrophic cardiomyopathy. Last evaluated: 2024-05-13. Review status: criteria provided, single submitter. Criteria: Invitae Variant Classification Sherloc (09022015). Collection method: clinical testing. Allele origin: germline.
Comment: This sequence change creates a premature translational stop signal (p.Asn12Glnfs*40) in the ILK gene. It is expected to result in an absent or disrupted protein product. However, the current clinical and genetic evidence is not sufficient to establish whether loss-of-function variants in ILK cause disease. This variant is not present in population databases (gnomAD no frequency). This variant has not been reported in the literature in individuals affected with ILK-related conditions. In summary, the available evidence is currently insufficient to determine the role of this variant in disease. Therefore, it has been classified as a Variant of Uncertain Significance.